The following is an entry in ClinVar:

ClinVar aggregate classification (germline): Uncertain significance. Review status: criteria provided, multiple submitters, no conflicts (2 of 4 stars). 3 submissions from 3 submitters: Uncertain significance (3). Last evaluated 2026-01-06.

Conditions:
Polymerase proofreading-related adenomatous polyposis. Also called: Polymerase proofreading associated polyposis; Polymerase proofreading–associated polyposis (PPAP). Identifiers: Orphanet 447877, MedGen C5202613, MONDO:0018653.
Hereditary cancer-predisposing syndrome. Also called: Tumor predisposition; Neoplastic Syndromes, Hereditary; Hereditary Cancer Syndrome; Hereditary neoplastic syndrome. Identifiers: Orphanet 140162, MedGen C0027672, MeSH D009386, MONDO:0015356.

Allele frequency attached by ClinVar (database versions not stated): gnomAD exomes below 0.00001; TOPMed below 0.00001.

Submissions (3):

Labcorp Genetics (formerly Invitae), Labcorp
Classification: Uncertain significance. Last evaluated: 2026-01-06. Review status: criteria provided, single submitter. Criteria: Invitae Variant Classification Sherloc (09022015). Collection method: clinical testing. Allele origin: germline.
Comment: This sequence change replaces arginine, which is basic and polar, with cysteine, which is neutral and slightly polar, at codon 553 of the POLE protein (p.Arg553Cys). This variant is not present in population databases (gnomAD no frequency). This variant has not been reported in the literature in individuals affected with POLE-related conditions. ClinVar contains an entry for this variant (Variation ID: 240400). Invitae Evidence Modeling of protein sequence and biophysical properties (such as structural, functional, and spatial information, amino acid conservation, physicochemical variation, residue mobility, and thermodynamic stability) indicates that this missense variant is expected to disrupt POLE protein function with a positive predictive value of 80%. In summary, the available evidence is currently insufficient to determine the role of this variant in disease. Therefore, it has been classified as a Variant of Uncertain Significance.

Ambry Genetics
Classification: Uncertain significance for Hereditary cancer-predisposing syndrome. Last evaluated: 2025-03-25. Review status: criteria provided, single submitter. Criteria: Ambry Variant Classification Scheme 2023. Collection method: clinical testing. Allele origin: germline.
Comment: The p.R553C variant (also known as c.1657C>T), located in coding exon 15 of the POLE gene, results from a C to T substitution at nucleotide position 1657. The arginine at codon 553 is replaced by cysteine, an amino acid with highly dissimilar properties. This amino acid position is highly conserved in available vertebrate species. In addition, this alteration is predicted to be deleterious by in silico analysis. Based on the available evidence, the clinical significance of this variant remains unclear.

Department of Pathology and Laboratory Medicine, Sinai Health System
Classification: Uncertain significance for Polymerase proofreading-related adenomatous polyposis. Last evaluated: 2019-10-04. Review status: criteria provided, single submitter. Criteria: ACMG Guidelines, 2015. Collection method: clinical testing. Allele origin: germline. Affected: yes.

NM_006231.4(POLE):c.1657C>T (p.Arg553Cys)

Gene: POLE (DNA polymerase epsilon, catalytic subunit; minus strand). Cytogenetic location: 12q24.33.
Variant type: single nucleotide variant.
Coding change: c.1657C>T on transcript NM_006231.4 (MANE Select); coding-DNA position 1657, C replaced by T.
Protein change: p.Arg553Cys; replaces arginine 553 with cysteine.
Molecular consequence: missense variant.
Genome position (GRCh38, 1-based): chr12:132,672,656, G>A on the plus strand (C>T on the coding strand, the complement: POLE is on the minus strand). VCF-style: chr12-132672656-G-A. GRCh37 (hg19) VCF-style: chr12-133249242-G-A.
Other names: short protein forms R553C.
Identifiers: ClinVar variation 240400 (VCV000240400.10), dbSNP rs878854844, ClinGen allele CA10583016.
Genomic context (GRCh38, chr12:132,672,656, plus strand): 5'-GAAGAATCTGAATCCCAGGGAAGAAGCACACCATCCTAAACCGGCAAGGGATATCGCTGC[G>A]GAAAACCCCAGACTCGAGGGCCTCCACGTGGCCCCCGACGTAGGTCTCAGAGTCCAGCAC-3'
Protein context (NP_006222.2, residues 543-563): HVEALESGVF[Arg553Cys]SDIPCRFRMN